The following is an entry in ClinVar:

NM_030665.4(RAI1):c.283C>A (p.Pro95Thr)

Gene: RAI1 (retinoic acid induced 1; plus strand). Cytogenetic location: 17p11.2.
Variant type: single nucleotide variant.
Coding change: c.283C>A on transcript NM_030665.4 (MANE Select); coding-DNA position 283, C replaced by A.
Protein change: p.Pro95Thr; replaces proline 95 with threonine.
Molecular consequence: missense variant.
Genome position (GRCh38, 1-based): chr17:17,793,231, C>A. VCF-style: chr17-17793231-C-A. GRCh37 (hg19) VCF-style: chr17-17696545-C-A.
Other names: c.283C>A (NM_030665.3); short protein forms P95T.
Identifiers: ClinVar variation 2038696 (VCV002038696.6), dbSNP rs566514527, ClinGen allele CA8418091.

ClinVar aggregate classification (germline): Conflicting classifications of pathogenicity. Review status: criteria provided, conflicting classifications (1 of 4 stars). 3 submissions from 3 submitters: Uncertain significance (2); Benign (1). Last evaluated 2026-06-11.

Conditions:
RAI1-related disorder. Also called: RAI1-related condition.
Inborn genetic diseases. Identifiers: MedGen C0950123, MeSH D030342.

Allele frequency attached by ClinVar (database versions not stated): TOPMed below 0.00001; ExAC 0.00001; gnomAD 0.00001; 1000 Genomes Project 30x 0.00016; 1000 Genomes Project 0.00020.
gnomAD v4.1: 4 of 1,611,714 alleles (0.00025%); highest among the groups gnomAD compares: Admixed American, 0.0017%; no homozygotes.

Submissions (3):

PreventionGenetics, part of Exact Sciences
Classification: Uncertain significance for RAI1-related condition. Last evaluated: 2026-06-11. Review status: criteria provided, single submitter. Criteria: ACMG Guidelines, 2015. Collection method: clinical testing. Allele origin: germline.
Comment: The RAI1 c.283C>A variant is predicted to result in the amino acid substitution p.Pro95Thr. To our knowledge, this variant has not been reported in the literature. This variant is reported in 0.00093% of alleles in individuals of European (Non-Finnish) descent in gnomAD. At this time, the clinical significance of this variant is uncertain due to the absence of conclusive functional and genetic evidence.

Ambry Genetics
Classification: Uncertain significance for Inborn genetic diseases. Last evaluated: 2025-05-17. Review status: criteria provided, single submitter. Criteria: Ambry Variant Classification Scheme 2023. Collection method: clinical testing. Allele origin: germline.

Labcorp Genetics (formerly Invitae), Labcorp
Classification: Benign. Last evaluated: 2024-01-04. Review status: criteria provided, single submitter. Criteria: Invitae Variant Classification Sherloc (09022015). Collection method: clinical testing. Allele origin: germline.